The following is an entry in ClinVar:

ClinVar aggregate classification (germline): Conflicting classifications of pathogenicity. Review status: criteria provided, conflicting classifications (1 of 4 stars). 3 submissions from 3 submitters: Uncertain significance (2); Likely benign (1). Last evaluated 2026-01-02.

Conditions:
CHD7-related disorder. Also called: CHD7-related condition.
Inborn genetic diseases. Identifiers: MedGen C0950123, MeSH D030342.
CHARGE syndrome (CHARGE). Also called: Hittner Hirsch Kreh syndrome; CHARGE ASSOCIATION--COLOBOMA, HEART ANOMALY, CHOANAL ATRESIA, RETARDATION, GENITAL AND EAR ANOMALIES; Coloboma, heart anomaly, choanal atresia, retardation, genital and ear anomalies; CHARGE association; Hall-Hittner syndrome. Identifiers: Orphanet 138, MedGen C0265354, MONDO:0008965.

Submissions (3):

Labcorp Genetics (formerly Invitae), Labcorp
Classification: Likely benign for CHARGE syndrome. Last evaluated: 2026-01-02. Review status: criteria provided, single submitter. Criteria: Invitae Variant Classification Sherloc (09022015). Collection method: clinical testing. Allele origin: germline.

PreventionGenetics, part of Exact Sciences
Classification: Uncertain significance for CHD7-related condition. Last evaluated: 2025-06-24. Review status: criteria provided, single submitter. Criteria: ACMG Guidelines, 2015. Collection method: clinical testing. Allele origin: germline.
Comment: The CHD7 c.5927G>A variant is predicted to result in the amino acid substitution p.Arg1976His. To our knowledge, this variant has not been reported in the literature. This variant is reported in 0.0065% of alleles in individuals of South Asian descent in gnomAD. At this time, the clinical significance of this variant is uncertain due to the absence of conclusive functional and genetic evidence.

Ambry Genetics
Classification: Uncertain significance for Inborn genetic diseases. Last evaluated: 2025-01-11. Review status: criteria provided, single submitter. Criteria: Ambry Variant Classification Scheme 2023. Collection method: clinical testing. Allele origin: germline.

NM_017780.4(CHD7):c.5927G>A (p.Arg1976His)

Gene: CHD7 (chromodomain helicase DNA binding protein 7; plus strand). Cytogenetic location: 8q12.2.
Variant type: single nucleotide variant.
Coding change: c.5927G>A on transcript NM_017780.4 (MANE Select); coding-DNA position 5927, G replaced by A.
Protein change: p.Arg1976His; replaces arginine 1976 with histidine.
Molecular consequence: missense variant. On other transcripts: intron variant (1).
Genome position (GRCh38, 1-based): chr8:60,852,530, G>A. VCF-style: chr8-60852530-G-A. GRCh37 (hg19) VCF-style: chr8-61765089-G-A.
Other names: c.1717-9699G>A (NM_001316690.1); c.5927G>A (NM_017780.3); short protein forms R1976H.
Identifiers: ClinVar variation 3687159 (VCV003687159.4).